The following is an entry in ClinVar:

ClinVar aggregate classification (germline): Uncertain significance (1 of 4 stars; one submission).

Conditions:
Hereditary cancer-predisposing syndrome. Also called: Tumor predisposition; Hereditary Cancer Syndrome; Hereditary neoplastic syndrome; Neoplastic Syndromes, Hereditary. Identifiers: Orphanet 140162, MedGen C0027672, MeSH D009386, MONDO:0015356.

Submission:

Ambry Genetics
Classification: Uncertain significance for Hereditary cancer-predisposing syndrome. Last evaluated: 2025-11-26. Review status: criteria provided, single submitter. Criteria: Ambry Variant Classification Scheme 2023. Collection method: clinical testing. Allele origin: germline.
Comment: The p.S8T variant (also known as c.22T>A), located in coding exon 1 of the SDHB gene, results from a T to A substitution at nucleotide position 22. The serine at codon 8 is replaced by threonine, an amino acid with similar properties. This amino acid position is conserved. In addition, the in silico prediction for this alteration is inconclusive. Based on the available evidence, the clinical significance of this variant remains unclear.

NM_003000.3(SDHB):c.22T>A (p.Ser8Thr)

Gene: SDHB (succinate dehydrogenase complex iron sulfur subunit B; minus strand). Cytogenetic location: 1p36.13.
Variant type: single nucleotide variant.
Coding change: c.22T>A on transcript NM_003000.3 (MANE Select); coding-DNA position 22, T replaced by A.
Protein change: p.Ser8Thr; replaces serine 8 with threonine.
Molecular consequence: missense variant.
Genome position (GRCh38, 1-based): chr1:17,053,998, A>T on the plus strand (T>A on the coding strand, the complement: SDHB is on the minus strand). VCF-style: chr1-17053998-A-T. GRCh37 (hg19) VCF-style: chr1-17380493-A-T.
Other names: c.22T>A, p.Ser8Thr (NM_001407361.1); short protein forms S8T.
Identifiers: ClinVar variation 4547814 (VCV004547814.1).